The following is an entry in ClinVar:

NM_004415.4(DSP):c.530G>A (p.Gly177Asp)

Gene: DSP (desmoplakin; plus strand). Cytogenetic location: 6p24.3.
Variant type: single nucleotide variant.
Coding change: c.530G>A on transcript NM_004415.4 (MANE Select); coding-DNA position 530, G replaced by A.
Protein change: p.Gly177Asp; replaces glycine 177 with aspartic acid.
Molecular consequence: missense variant.
Genome position (GRCh38, 1-based): chr6:7,559,333, G>A. VCF-style: chr6-7559333-G-A. GRCh37 (hg19) VCF-style: chr6-7559566-G-A.
Other names: c.530G>A, p.Gly177Asp (NM_001008844.3, NM_001319034.2, NM_001406591.1); short protein forms G177D.
Identifiers: ClinVar variation 5035639 (VCV005035639.1).

ClinVar aggregate classification (germline): Uncertain significance (1 of 4 stars; one submission).

Conditions:
Cardiovascular phenotype. Identifiers: MedGen CN230736.

Submission:

Ambry Genetics
Classification: Uncertain significance for Cardiovascular phenotype. Last evaluated: 2026-07-06. Review status: criteria provided, single submitter. Criteria: Ambry Variant Classification Scheme 2023. Collection method: clinical testing. Allele origin: germline.
Comment: The p.G177D variant (also known as c.530G>A), located in coding exon 4 of the DSP gene, results from a G to A substitution at nucleotide position 530. The glycine at codon 177 is replaced by aspartic acid, an amino acid with similar properties. This amino acid position is conserved. In addition, this alteration is predicted to be deleterious by in silico analysis. Based on the available evidence, the clinical significance of this variant remains unclear.